The following is an entry in ClinVar:

ClinVar aggregate classification (germline): Uncertain significance (1 of 4 stars; one submission).

Conditions:
Gorlin syndrome. Also called: Nevoid Basal Cell Carcinoma Syndrome; Basal cell nevus syndrome. Identifiers: Orphanet 377, MedGen C0004779, MONDO:0007187.

Submission:

Labcorp Genetics (formerly Invitae), Labcorp
Classification: Uncertain significance for Gorlin syndrome. Last evaluated: 2023-08-04. Review status: criteria provided, single submitter. Criteria: Invitae Variant Classification Sherloc (09022015). Collection method: clinical testing. Allele origin: germline.
Comment: In summary, the available evidence is currently insufficient to determine the role of this variant in disease. Therefore, it has been classified as a Variant of Uncertain Significance. Advanced modeling of protein sequence and biophysical properties (such as structural, functional, and spatial information, amino acid conservation, physicochemical variation, residue mobility, and thermodynamic stability) performed at Invitae indicates that this missense variant is not expected to disrupt PTCH1 protein function. This variant has not been reported in the literature in individuals affected with PTCH1-related conditions. This variant is not present in population databases (gnomAD no frequency). This sequence change replaces leucine, which is neutral and non-polar, with phenylalanine, which is neutral and non-polar, at codon 981 of the PTCH1 protein (p.Leu981Phe).

NM_000264.5(PTCH1):c.2943G>C (p.Leu981Phe)

Gene: PTCH1 (patched 1; minus strand). Cytogenetic location: 9q22.32.
Variant type: single nucleotide variant.
Coding change: c.2943G>C on transcript NM_000264.5 (MANE Select); coding-DNA position 2943, G replaced by C.
Protein change: p.Leu981Phe; replaces leucine 981 with phenylalanine.
Molecular consequence: missense variant. On other transcripts: non-coding transcript variant (1).
Genome position (GRCh38, 1-based): chr9:95,458,238, C>G on the plus strand (G>C on the coding strand, the complement: PTCH1 is on the minus strand). VCF-style: chr9-95458238-C-G. GRCh37 (hg19) VCF-style: chr9-98220520-C-G.
Other names: c.2745G>C, p.Leu915Phe (NM_001083602.3); c.2940G>C, p.Leu980Phe (NM_001083603.3); c.2490G>C, p.Leu830Phe (NM_001083604.3, NM_001083605.3, NM_001083606.3 and 1 more transcripts); c.2787G>C, p.Leu929Phe (NM_001354918.2); short protein forms L980F, L915F, L830F, L929F, L981F.
Identifiers: ClinVar variation 2877124 (VCV002877124.3), dbSNP rs753414816, ClinGen allele CA374112731.